The following is an entry in ClinVar:

NM_017739.4(POMGNT1):c.603_618delinsTCCCTTCAGATTCCTGA (p.Ala203fs)

Genes: POMGNT1 (protein O-linked mannose N-acetylglucosaminyltransferase 1 (beta 1,2-); minus strand), TSPAN1 (tetraspanin 1; plus strand). Cytogenetic location: 1p34.1.
Variant type: Indel.
Coding change: c.603_618delinsTCCCTTCAGATTCCTGA on transcript NM_017739.4 (MANE Select); coding-DNA positions 603 to 618, CCCTGCCCTGGGCTGG replaced by TCCCTTCAGATTCCTGA.
Protein change: p.Ala203fs; shifts the reading frame from alanine 203.
Molecular consequence: frameshift variant.
Genome position (GRCh38, 1-based): chr1:46,194,878-46,194,893, CCAGCCCAGGGCAGGG replaced by TCAGGAATCTGAAGGGA on the plus strand (CCCTGCCCTGGGCTGG replaced by TCCCTTCAGATTCCTGA on the coding strand, the reverse complement: POMGNT1 is on the minus strand). GRCh37 (hg19): chr1:46,660,550-46,660,565.
Other names: c.603_618delinsTCCCTTCAGATTCCTGA, p.Ala203fs (NM_001243766.2, NM_001410783.1); c.537_552del16insTCCCTTCAGATTCCTGA, p.Ala181Phefs (NM_001290129.3); c.174_189delinsTCCCTTCAGATTCCTGA, p.Ala60fs (NM_001290130.2); short protein forms A181fs, A203fs, A60fs.
Identifiers: ClinVar variation 1934388 (VCV001934388.5), dbSNP rs2525436154, ClinGen allele CA2580062983.

ClinVar aggregate classification (germline): Pathogenic (1 of 4 stars; one submission).

Conditions:
Muscular dystrophy-dystroglycanopathy (congenital with impaired intellectual development), type B, 3. Also called: MUSCULAR DYSTROPHY, CONGENITAL, POMGNT1-RELATED; Muscular dystrophy-dystroglycanopathy (congenital with intellectual disability), type B3. Identifiers: MedGen C3150412, MONDO:0013155, OMIM 613151.
Autosomal recessive limb-girdle muscular dystrophy type 2O. Also called: MUSCULAR DYSTROPHY-DYSTROGLYCANOPATHY (LIMB-GIRDLE), TYPE C, 3; Limb-Girdle Muscular Dystrophy Type 3C; MUSCULAR DYSTROPHY-DYSTROGLYCANOPATHY, LIMB-GIRDLE, POMGNT1-RELATED. Identifiers: Orphanet 206564, MedGen C3150417, MONDO:0013161, OMIM 613157.

Submission:

Labcorp Genetics (formerly Invitae), Labcorp
Classification: Pathogenic for Autosomal recessive limb-girdle muscular dystrophy type 2O; Muscular dystrophy-dystroglycanopathy (congenital with impaired intellectual development), type B, 3. Last evaluated: 2024-09-30. Review status: criteria provided, single submitter. Criteria: Invitae Variant Classification Sherloc (09022015). Collection method: clinical testing. Allele origin: germline.
Comment: This sequence change creates a premature translational stop signal (p.Ala203Phefs*25) in the POMGNT1 gene. It is expected to result in an absent or disrupted protein product. Loss-of-function variants in POMGNT1 are known to be pathogenic (PMID: 19299310, 20816175, 21447391, 26908613, 27391550). Information on the frequency of this variant in the gnomAD database is not available, as this variant may be reported differently in the database. This variant has not been reported in the literature in individuals affected with POMGNT1-related conditions. For these reasons, this variant has been classified as Pathogenic.

Literature cited by the submitters: PubMed 19299310; PubMed 20816175; PubMed 21447391; PubMed 26908613; PubMed 27391550.